The following is an entry in ClinVar:

ClinVar aggregate classification (germline): Benign/Likely benign. Review status: criteria provided, multiple submitters, no conflicts (2 of 4 stars). 7 submissions from 7 submitters: Benign (3); Likely benign (3). 1 of the submissions does not count toward it. Last evaluated 2026-10-01.

Conditions:
SYNE4-related disorder. Also called: SYNE4-related condition.

Allele frequency attached by ClinVar (database versions not stated): 1000 Genomes Project 0.00280; 1000 Genomes Project 30x 0.00312; gnomAD 0.00491 and 0.00507; gnomAD exomes 0.00528 and 0.00568; ExAC 0.00588; ESP Exome Variant Server 0.00599; TOPMed 0.00621.
gnomAD v4.1: 9,115 of 1,612,300 alleles (0.57%); highest among the groups gnomAD compares: Middle Eastern, 2.1%; 45 homozygotes.

Submissions (7):

CeGaT Center for Human Genetics Tuebingen
Classification: Likely benign. Last evaluated: 2026-10-01. Review status: criteria provided, single submitter. Criteria: CeGaT Center For Human Genetics Tuebingen Variant Classification Criteria Version 2. Collection method: clinical testing. Allele origin: germline. Affected: yes. Observed: 6 variant alleles.
Comment: SYNE4: BP4, BS2

Labcorp Genetics (formerly Invitae), Labcorp
Classification: Benign. Last evaluated: 2026-01-31. Review status: criteria provided, single submitter. Criteria: Invitae Variant Classification Sherloc (09022015). Collection method: clinical testing. Allele origin: germline.

GeneDx
Classification: Benign. Last evaluated: 2018-07-13. Review status: criteria provided, single submitter. Criteria: GeneDx Variant Classification Process June 2021. Collection method: clinical testing. Allele origin: germline. Affected: yes.

Eurofins Ntd Llc (ga)
Classification: Likely benign. Last evaluated: 2017-05-04. Review status: criteria provided, single submitter. Criteria: EGL Classification Definitions 2015. Collection method: clinical testing. Allele origin: germline. Observed: 1 variant allele, 1 heterozygote.

Laboratory for Molecular Medicine, Mass General Brigham Personalized Medicine
Classification: Benign. Last evaluated: 2014-11-24. Review status: criteria provided, single submitter. Criteria: LMM Criteria. Collection method: clinical testing. Allele origin: germline. Observed: 14 variant alleles.
Comment: Leu269Leu in exon 5 of SYNE4: This variant is not expected to have clinical sign ificance because it does not alter an amino acid residue and is not located with in the splice consensus sequence. It has been identified in 0.8% (65/8210) of Eu ropean American chromosomes from a broad population by the NHLBI Exome Sequencin g Project (dbSNP rs147433902).

Breakthrough Genomics
Classification: Likely benign. Review status: criteria provided, single submitter. Criteria: ACMG Guidelines, 2015. Collection method: not provided. Allele origin: germline. Inheritance: Autosomal recessive inheritance. Affected: yes.

PreventionGenetics, part of Exact Sciences
Classification: Benign for SYNE4-related condition. Last evaluated: 2020-11-03. Review status: no assertion criteria provided. Collection method: clinical testing. Allele origin: germline. Not counted in ClinVar's aggregate classification.
Comment: This variant is classified as benign based on ACMG/AMP sequence variant interpretation guidelines (Richards et al. 2015 PMID: 25741868, with internal and published modifications).

NM_001039876.3(SYNE4):c.805C>T (p.Leu269=)

Gene: SYNE4 (spectrin repeat containing nuclear envelope family member 4; minus strand). Cytogenetic location: 19q13.12.
Variant type: single nucleotide variant.
Coding change: c.805C>T on transcript NM_001039876.3 (MANE Select); coding-DNA position 805, C replaced by T.
Protein change: p.Leu269=; no amino-acid change (leucine 269 retained).
Molecular consequence: synonymous variant.
Genome position (GRCh38, 1-based): chr19:36,006,485, G>A on the plus strand (C>T on the coding strand, the complement: SYNE4 is on the minus strand). VCF-style: chr19-36006485-G-A. GRCh37 (hg19) VCF-style: chr19-36497387-G-A.
Other names: c.466C>T, p.Leu156= (NM_001297735.3).
Identifiers: ClinVar variation 227089 (VCV000227089.44), dbSNP rs147433902, ClinGen allele CA9393851.